The following is an entry in ClinVar:

ClinVar aggregate classification (germline): Likely benign. Review status: criteria provided, multiple submitters, no conflicts (2 of 4 stars). 3 submissions from 3 submitters: Likely benign (3). Last evaluated 2026-02-16.

Conditions:
Adams-Oliver syndrome 5 (AOS5). Identifiers: Orphanet 974, MedGen C4014970, MONDO:0014459, OMIM 616028.

gnomAD v4.1: 20 of 1,610,522 alleles (0.0012%); highest among the groups gnomAD compares: Non-Finnish European, 0.0017%; no homozygotes.

Submissions (3):

Women's Health and Genetics/Laboratory Corporation of America, LabCorp
Classification: Likely benign. Last evaluated: 2026-02-16. Review status: criteria provided, single submitter. Criteria: LabCorp Variant Classification Summary - May 2015. Collection method: clinical testing. Allele origin: germline.

Labcorp Genetics (formerly Invitae), Labcorp
Classification: Likely benign for Adams-Oliver syndrome 5. Last evaluated: 2025-07-14. Review status: criteria provided, single submitter. Criteria: Invitae Variant Classification Sherloc (09022015). Collection method: clinical testing. Allele origin: germline.

GeneDx
Classification: Likely benign. Last evaluated: 2018-01-29. Review status: criteria provided, single submitter. Criteria: GeneDx Variant Classification (06012015). Collection method: clinical testing. Allele origin: germline. Affected: yes.
Comment: This variant is considered likely benign or benign based on one or more of the following criteria: it is a conservative change, it occurs at a poorly conserved position in the protein, it is predicted to be benign by multiple in silico algorithms, and/or has population frequency not consistent with disease.

NM_017617.5(NOTCH1):c.2015-13G>C

Gene: NOTCH1 (notch receptor 1; minus strand). Cytogenetic location: 9q34.3.
Variant type: single nucleotide variant.
Coding change: c.2015-13G>C on transcript NM_017617.5 (MANE Select); 13 bases into the intron before coding-DNA position 2015, G replaced by C.
Molecular consequence: intron variant.
Genome position (GRCh38, 1-based): chr9:136,514,715, C>G on the plus strand (G>C on the coding strand, the complement: NOTCH1 is on the minus strand). VCF-style: chr9-136514715-C-G. GRCh37 (hg19) VCF-style: chr9-139409167-C-G.
Other names: c.2015-13G>C (LRG_1122t1).
Identifiers: ClinVar variation 514970 (VCV000514970.6), dbSNP rs772867940, ClinGen allele CA5341506.